The following is an entry in ClinVar:

NM_001510.4(GRID2):c.950C>T (p.Ala317Val)

Gene: GRID2 (glutamate ionotropic receptor delta type subunit 2; plus strand). Cytogenetic location: 4q22.2.
Variant type: single nucleotide variant.
Coding change: c.950C>T on transcript NM_001510.4 (MANE Select); coding-DNA position 950, C replaced by T.
Protein change: p.Ala317Val; replaces alanine 317 with valine.
Molecular consequence: missense variant.
Genome position (GRCh38, 1-based): chr4:93,216,898, C>T. VCF-style: chr4-93216898-C-T. GRCh37 (hg19) VCF-style: chr4-94138049-C-T.
Other names: c.950C>T (NM_001510.3); c.665C>T, p.Ala222Val (NM_001286838.1); short protein forms A222V, A317V.
Identifiers: ClinVar variation 2621577 (VCV002621577.6), dbSNP rs538573274, ClinGen allele CA3012120.

ClinVar aggregate classification (germline): Conflicting classifications of pathogenicity. Review status: criteria provided, conflicting classifications (1 of 4 stars). 3 submissions from 3 submitters: Uncertain significance (2); Benign (1). Last evaluated 2024-06-27.

Conditions:
Inborn genetic diseases. Identifiers: MedGen C0950123, MeSH D030342.

Allele frequency attached by ClinVar (database versions not stated): gnomAD 0.00001; gnomAD exomes 0.00002; ExAC 0.00005; 1000 Genomes Project 30x 0.00016; 1000 Genomes Project 0.00020.
gnomAD v4.1: 35 of 1,610,404 alleles (0.0022%); highest among the groups gnomAD compares: South Asian, 0.038%; no homozygotes.

Submissions (3):

GeneDx
Classification: Uncertain significance. Last evaluated: 2024-06-27. Review status: criteria provided, single submitter. Criteria: GeneDx Variant Classification Process June 2021. Collection method: clinical testing. Allele origin: germline. Affected: yes.
Comment: In silico analysis indicates that this missense variant does not alter protein structure/function; Has not been previously published as pathogenic or benign to our knowledge

Labcorp Genetics (formerly Invitae), Labcorp
Classification: Benign. Last evaluated: 2023-11-29. Review status: criteria provided, single submitter. Criteria: Invitae Variant Classification Sherloc (09022015). Collection method: clinical testing. Allele origin: germline.

Ambry Genetics
Classification: Uncertain significance for Inborn genetic diseases. Last evaluated: 2023-08-28. Review status: criteria provided, single submitter. Criteria: Ambry Variant Classification Scheme 2023. Collection method: clinical testing. Allele origin: germline.